The following is an entry in ClinVar:

NM_024529.5(CDC73):c.148_149delinsTTTCCAGAGAGTACTAC (p.Gln50delinsPheProGluSerThrThr)

Gene: CDC73 (cell division cycle 73; plus strand). Cytogenetic location: 1q31.2.
Variant type: Indel.
Coding change: c.148_149delinsTTTCCAGAGAGTACTAC on transcript NM_024529.5 (MANE Select); coding-DNA positions 148 to 149, CA replaced by TTTCCAGAGAGTACTAC.
Protein change: p.Gln50delinsPheProGluSerThrThr.
Molecular consequence: inframe indel.
Genome position (GRCh38, 1-based): chr1:193,125,128-193,125,129, CA replaced by TTTCCAGAGAGTACTAC. VCF-style: chr1-193125128-CA-TTTCCAGAGAGTACTAC. GRCh37 (hg19) VCF-style: chr1-193094258-CA-TTTCCAGAGAGTACTAC.
Identifiers: ClinVar variation 3998671 (VCV003998671.1).

ClinVar aggregate classification (germline): Uncertain significance (1 of 4 stars; one submission).

Conditions:
Hereditary cancer-predisposing syndrome. Also called: Tumor predisposition; Hereditary neoplastic syndrome; Neoplastic Syndromes, Hereditary; Hereditary Cancer Syndrome. Identifiers: Orphanet 140162, MedGen C0027672, MeSH D009386, MONDO:0015356.

Submission:

Ambry Genetics
Classification: Uncertain significance for Hereditary cancer-predisposing syndrome. Last evaluated: 2025-05-12. Review status: criteria provided, single submitter. Criteria: Ambry Variant Classification Scheme 2023. Collection method: clinical testing. Allele origin: germline.
Comment: The c.148_149delCAins17 variant (also known as p.Q50delinsFPESTT), located in coding exon 2 of the CDC73 gene, results from an in-frame deletion of CA and insertion of 17 nucleotides at positions 148 to 149. This results in the deletion of a glutamine residue and the insertion 6 amino acids (FPESTT) at codon 50. This amino acid position is highly conserved in available vertebrate species. In addition, this variant is predicted to be deleterious by in silico analysis (Choi Y et al. PLoS ONE. 2012; 7(10):e46688). Based on the available evidence, the clinical significance of this variant remains unclear.